The following is an entry in ClinVar:

ClinVar aggregate classification (germline): Benign/Likely benign. Review status: criteria provided, multiple submitters, no conflicts (2 of 4 stars). 10 submissions from 10 submitters: Benign (7); Likely benign (2). 1 of the submissions does not count toward it. Last evaluated 2026-09-01.

Conditions:
Diamond-Blackfan anemia 1 (DBA1). Also called: RPS19-Related Diamond-Blackfan Anemia; ERYTHROGENESIS IMPERFECTA; BLACKFAN-DIAMOND SYNDROME; ANEMIA, CONGENITAL HYPOPLASTIC, OF BLACKFAN AND DIAMOND; ANEMIA, CONGENITAL ERYTHROID HYPOPLASTIC; RED CELL APLASIA, PURE, HEREDITARY. Identifiers: Orphanet 124, MedGen C2676137, MONDO:0007110, OMIM 105650.
RPS19-related disorder. Also called: RPS19-related condition.
Diamond-Blackfan anemia. Also called: Blackfan Diamond syndrome; Aregenerative anemia chronic congenital; Red cell aplasia, pure hereditary; Congenital hypoplastic anemia; Aase syndrome. Identifiers: Orphanet 124, MedGen C1260899, MeSH D029503, MONDO:0015253, HP:0004810.

Allele frequency attached by ClinVar (database versions not stated): ESP Exome Variant Server 0.00054; gnomAD 0.00108; TOPMed 0.00190; 1000 Genomes Project 30x 0.00297; 1000 Genomes Project 0.00300.
gnomAD v4.1: 1,947 of 1,613,674 alleles (0.12%); highest among the groups gnomAD compares: Admixed American, 1.5%; 25 homozygotes.

Submissions (10):

CeGaT Center for Human Genetics Tuebingen
Classification: Benign. Last evaluated: 2026-09-01. Review status: criteria provided, single submitter. Criteria: CeGaT Center For Human Genetics Tuebingen Variant Classification Criteria Version 2. Collection method: clinical testing. Allele origin: germline. Affected: yes. Observed: 6 variant alleles.
Comment: RPS19: BP4, BP7, BS1, BS2

Labcorp Genetics (formerly Invitae), Labcorp
Classification: Benign for Diamond-Blackfan anemia. Last evaluated: 2026-02-01. Review status: criteria provided, single submitter. Criteria: Invitae Variant Classification Sherloc (09022015). Collection method: clinical testing. Allele origin: germline.

ARUP Laboratories, Molecular Genetics and Genomics, ARUP Laboratories
Classification: Benign for Diamond-Blackfan anemia 1. Last evaluated: 2024-07-10. Review status: criteria provided, single submitter. Criteria: ARUP Molecular Germline Variant Investigation Process 2024. Collection method: clinical testing. Allele origin: germline.

Fulgent Genetics
Classification: Likely benign for Diamond-Blackfan anemia 1. Last evaluated: 2021-11-08. Review status: criteria provided, single submitter. Criteria: ACMG Guidelines, 2015. Collection method: clinical testing. Allele origin: unknown.

Genetic Services Laboratory, University of Chicago
Classification: Benign. Last evaluated: 2021-04-16. Review status: criteria provided, single submitter. Criteria: ACMG Guidelines, 2015. Collection method: clinical testing. Allele origin: germline. Affected: no.

GeneDx
Classification: Benign. Last evaluated: 2019-01-09. Review status: criteria provided, single submitter. Criteria: GeneDx Variant Classification Process June 2021. Collection method: clinical testing. Allele origin: germline. Affected: yes.

Illumina Laboratory Services, Illumina
Classification: Benign for Diamond-Blackfan anemia 1. Last evaluated: 2018-01-13. Review status: criteria provided, single submitter. Criteria: ICSL Variant Classification Criteria 13 December 2019. Collection method: clinical testing. Allele origin: germline.
Comment: This variant was observed in the ICSL laboratory as part of a predisposition screen in an ostensibly healthy population. It had not been previously curated by ICSL or reported in the Human Gene Mutation Database (HGMD: prior to June 1st, 2018), and was therefore a candidate for classification through an automated scoring system. Utilizing variant allele frequency, disease prevalence and penetrance estimates, and inheritance mode, an automated score was calculated to assess if this variant is too frequent to cause the disease. Based on the score and internal cut-off values, a variant classified as benign is not then subjected to further curation. The score for this variant resulted in a classification of benign for this disease.

Ambry Genetics
Classification: Likely benign for Diamond-Blackfan anemia. Last evaluated: 2015-09-02. Review status: criteria provided, single submitter. Criteria: Ambry Variant Classification Scheme 2023. Collection method: clinical testing. Allele origin: germline.

Breakthrough Genomics
Classification: Benign. Review status: criteria provided, single submitter. Criteria: ACMG Guidelines, 2015. Collection method: not provided. Allele origin: germline. Inheritance: Autosomal dominant inheritance. Affected: yes.

PreventionGenetics, part of Exact Sciences
Classification: Likely benign for RPS19-related condition. Last evaluated: 2020-06-22. Review status: no assertion criteria provided. Collection method: clinical testing. Allele origin: germline. Not counted in ClinVar's aggregate classification.
Comment: This variant is classified as likely benign based on ACMG/AMP sequence variant interpretation guidelines (Richards et al. 2015 PMID: 25741868, with internal and published modifications).

NM_001022.4(RPS19):c.60C>G (p.Ala20=)

Genes: RPS19-CD79A (RPS19-CD79A readthrough; plus strand), RPS19 (ribosomal protein S19; plus strand). Cytogenetic location: 19q13.2.
Variant type: single nucleotide variant.
Coding change: c.60C>G on transcript NM_001022.4 (MANE Select); coding-DNA position 60, C replaced by G.
Protein change: p.Ala20=; no amino-acid change (alanine 20 retained).
Molecular consequence: synonymous variant.
Genome position (GRCh38, 1-based): chr19:41,860,834, C>G. VCF-style: chr19-41860834-C-G. GRCh37 (hg19) VCF-style: chr19-42364904-C-G.
Other names: c.60C>G, p.Ala20= (NM_001321483.2, NM_001321484.2, NM_001321485.2).
Identifiers: ClinVar variation 329391 (VCV000329391.43), dbSNP rs149249194, ClinGen allele CA9465267.
Genomic context (GRCh38, chr19:41,860,834, plus strand): 5'-GATGCCTGGAGTTACTGTAAAAGACGTGAACCAGCAGGAGTTCGTCAGAGCTCTGGCAGC[C>G]TTCCTCAAAAAGTGAGTTTGGGGACTGAGGTTCAAAACGGGTGGAGGCTGTCGCCTTGGC-3'
Protein context (NP_001013.1, residues 10-30): NQQEFVRALA[Ala20=]FLKKSGKLKV